The following is an entry in ClinVar:

ClinVar aggregate classification (germline): Uncertain significance (1 of 4 stars; one submission).

Allele frequency attached by ClinVar (database versions not stated): TOPMed below 0.00001.

Submission:

Labcorp Genetics (formerly Invitae), Labcorp
Classification: Uncertain significance. Last evaluated: 2023-05-21. Review status: criteria provided, single submitter. Criteria: Invitae Variant Classification Sherloc (09022015). Collection method: clinical testing. Allele origin: germline.
Comment: In summary, the available evidence is currently insufficient to determine the role of this variant in disease. Therefore, it has been classified as a Variant of Uncertain Significance. An algorithm developed to predict the effect of missense changes on protein structure and function (PolyPhen-2) suggests that this variant is likely to be tolerated. This variant has not been reported in the literature in individuals affected with POLG2-related conditions. This variant is not present in population databases (gnomAD no frequency). This sequence change replaces glycine, which is neutral and non-polar, with arginine, which is basic and polar, at codon 63 of the POLG2 protein (p.Gly63Arg).

NM_007215.4(POLG2):c.187G>A (p.Gly63Arg)

Genes: MILR1 (mast cell immunoglobulin like receptor 1; plus strand), POLG2 (DNA polymerase gamma 2, accessory subunit; minus strand). Cytogenetic location: 17q23.3.
Variant type: single nucleotide variant.
Coding change: c.187G>A on transcript NM_007215.4 (MANE Select); coding-DNA position 187, G replaced by A.
Protein change: p.Gly63Arg; replaces glycine 63 with arginine.
Molecular consequence: missense variant.
Genome position (GRCh38, 1-based): chr17:64,496,782, C>T on the plus strand (G>A on the coding strand, the complement: POLG2 is on the minus strand). VCF-style: chr17-64496782-C-T. GRCh37 (hg19) VCF-style: chr17-62492900-C-T.
Other names: short protein forms G63R.
Identifiers: ClinVar variation 2913802 (VCV002913802.3), dbSNP rs2038160171, ClinGen allele CA400641466.